The following is an entry in ClinVar:

NM_012309.5(SHANK2):c.4371_4374del (p.Asn1458fs)

Gene: SHANK2 (SH3 and multiple ankyrin repeat domains 2; minus strand). Cytogenetic location: 11q13.3.
Variant type: Microsatellite.
Coding change: c.4371_4374del on transcript NM_012309.5 (MANE Select); coding-DNA positions 4371 to 4374, 4 bases deleted (CAAC; older notation c.4371_4374delCAAC).
Protein change: p.Asn1458fs; shifts the reading frame from asparagine 1458.
Molecular consequence: frameshift variant.
Genome position (GRCh38, 1-based): chr11:70,485,919-70,485,922, GTTG deleted on the plus strand (CAAC on the coding strand, the reverse complement: SHANK2 is on the minus strand); deleting any 4 consecutive bases within chr11:70,485,919-70,485,931 gives the same sequence; the c. name uses the placement nearest the transcript's 3' end. VCF-style (leftmost placement, unchanged base first): chr11-70485918-AGTTG-A. GRCh37 (hg19) VCF-style: chr11-70332023-AGTTG-A.
Other names: c.3234_3237del, p.Asn1079fs (NM_001379226.1); c.2607_2610del, p.Asn870fs (NM_133266.5); short protein forms N1079fs, N1458fs, N870fs.
Identifiers: ClinVar variation 3900647 (VCV003900647.1).

ClinVar aggregate classification (germline): Pathogenic (1 of 4 stars; one submission).

Conditions:
Autism, susceptibility to, 17. Also called: Autism susceptibility 17. Identifiers: MedGen C3150693, MONDO:0013265, OMIM 613436.

Submission:

CGC Genetics, Unilabs
Classification: Pathogenic for Autism, susceptibility to, 17. Last evaluated: 2025-03-21. Review status: criteria provided, single submitter. Criteria: ACMG Guidelines, 2015. Collection method: clinical testing. Allele origin: de novo. Inheritance: Autosomal dominant inheritance. Affected: yes. Observed: 1 variant allele.
Comment: The variant NM_012309.5:c.4371_4374del p.(Asn1458Leufs*94), detected in heterozygosity in exon 25 (of 26) of the SHANK2 gene (chr.11) has not been described in the literature or in the gnomAD population database. Given its nature (frameshift), the introduction of a premature stop codon and consequent production of a truncated protein and/or loss of expression due to mRNA degradation are expected. In addition, the study of the progenitors confirmed that the variant was not inherited and was determined to be de novo. With the information currently available, it should be classified as a pathogenic variant.